The following is an entry in ClinVar:

ClinVar aggregate classification (germline): Pathogenic (1 of 4 stars; one submission).

Submission:

Labcorp Genetics (formerly Invitae), Labcorp
Classification: Pathogenic. Last evaluated: 2025-05-21. Review status: criteria provided, single submitter. Criteria: Invitae Variant Classification Sherloc (09022015). Collection method: clinical testing. Allele origin: germline.
Comment: This sequence change creates a premature translational stop signal (p.Thr65Alafs*2) in the SAR1B gene. It is expected to result in an absent or disrupted protein product. Loss-of-function variants in SAR1B are known to be pathogenic (PMID: 12692552, 17945526). This variant is not present in population databases (gnomAD no frequency). This variant has not been reported in the literature in individuals affected with SAR1B-related conditions. For these reasons, this variant has been classified as Pathogenic.

Literature cited by the submitters: PubMed 12692552; PubMed 17945526.

NM_016103.4(SAR1B):c.193_202del (p.Thr65fs)

Gene: SAR1B (secretion associated Ras related GTPase 1B; minus strand). Cytogenetic location: 5q31.1.
Variant type: Deletion.
Coding change: c.193_202del on transcript NM_016103.4 (MANE Select); coding-DNA positions 193 to 202, 10 bases deleted (ACCATTGCTG; older notation c.193_202delACCATTGCTG).
Protein change: p.Thr65fs; shifts the reading frame from threonine 65.
Molecular consequence: frameshift variant.
Genome position (GRCh38, 1-based): chr5:134,612,733-134,612,742, CAGCAATGGT deleted on the plus strand (ACCATTGCTG on the coding strand, the reverse complement: SAR1B is on the minus strand); deleting any 10 consecutive bases within chr5:134,612,733-134,612,745 gives the same sequence; the c. name uses the placement nearest the transcript's 3' end. VCF-style (leftmost placement, unchanged base first): chr5-134612732-CCAGCAATGGT-C. GRCh37 (hg19) VCF-style: chr5-133948422-CCAGCAATGGT-C.
Other names: c.193_202del, p.Thr65fs (NM_001033503.3); short protein forms T65fs.
Identifiers: ClinVar variation 4693534 (VCV004693534.1).